The following is an entry in ClinVar:

ClinVar aggregate classification (germline): Uncertain significance (1 of 4 stars; one submission).

Allele frequency attached by ClinVar (database versions not stated): gnomAD exomes 0.00001 and 0.00007; ExAC 0.00002; gnomAD 0.00003 and 0.00004; TOPMed 0.00003.
gnomAD v4.1: 111 of 1,583,986 alleles (0.007%); highest among the groups gnomAD compares: Non-Finnish European, 0.0088%; no homozygotes.

Submission:

CeGaT Center for Human Genetics Tuebingen
Classification: Uncertain significance. Last evaluated: 2022-07-01. Review status: criteria provided, single submitter. Criteria: CeGaT Center For Human Genetics Tuebingen Variant Classification Criteria Version 2. Collection method: clinical testing. Allele origin: germline. Affected: yes. Observed: 1 variant allele.
Comment: LCP2: PM2

NM_005565.5(LCP2):c.1301C>T (p.Ala434Val)

Genes: LCP2 (lymphocyte cytosolic protein 2; minus strand), C5orf58 (chromosome 5 open reading frame 58; plus strand). Cytogenetic location: 5q35.1.
Variant type: single nucleotide variant.
Coding change: c.1301C>T on transcript NM_005565.5 (MANE Select); coding-DNA position 1301, C replaced by T.
Protein change: p.Ala434Val; replaces alanine 434 with valine.
Molecular consequence: missense variant. On other transcripts: non-coding transcript variant (2).
Genome position (GRCh38, 1-based): chr5:170,252,456, G>A on the plus strand (C>T on the coding strand, the complement: LCP2 is on the minus strand). VCF-style: chr5-170252456-G-A. GRCh37 (hg19) VCF-style: chr5-169679460-G-A.
Other names: short protein forms A434V.
Identifiers: ClinVar variation 1701493 (VCV001701493.31), dbSNP rs760300648, ClinGen allele CA3555351.